The following is an entry in ClinVar:

ClinVar aggregate classification (germline): Uncertain significance (1 of 4 stars; one submission).

Submission:

GeneDx
Classification: Uncertain significance. Last evaluated: 2022-12-16. Review status: criteria provided, single submitter. Criteria: GeneDx Variant Classification Process June 2021. Collection method: clinical testing. Allele origin: germline. Affected: yes.
Comment: Not observed at significant frequency in large population cohorts (gnomAD); In silico analysis supports that this missense variant does not alter protein structure/function; Has not been previously published as pathogenic or benign to our knowledge

NM_005121.3(MED13):c.4813C>A (p.Pro1605Thr)

Gene: MED13 (mediator complex subunit 13; minus strand). Cytogenetic location: 17q23.2.
Variant type: single nucleotide variant.
Coding change: c.4813C>A on transcript NM_005121.3 (MANE Select); coding-DNA position 4813, C replaced by A.
Protein change: p.Pro1605Thr; replaces proline 1605 with threonine.
Molecular consequence: missense variant.
Genome position (GRCh38, 1-based): chr17:61,965,037, G>T on the plus strand (C>A on the coding strand, the complement: MED13 is on the minus strand). VCF-style: chr17-61965037-G-T. GRCh37 (hg19) VCF-style: chr17-60042398-G-T.
Other names: short protein forms P1605T.
Identifiers: ClinVar variation 2505874 (VCV002505874.1), dbSNP rs765473501, ClinGen allele CA400495755.